The following is an entry in ClinVar:

ClinVar aggregate classification (germline): Uncertain significance (1 of 4 stars; one submission).

Conditions:
Charcot-Marie-Tooth disease recessive intermediate C. Also called: CHARCOT-MARIE-TOOTH NEUROPATHY, RECESSIVE INTERMEDIATE C. Identifiers: Orphanet 369867, MedGen C3809309, MONDO:0014154, OMIM 615376.
Neuronopathy, distal hereditary motor, autosomal recessive 4. Also called: Autosomal recessive lower motor neuron disease with childhood onset; NEUROPATHY, DISTAL HEREDITARY MOTOR, AUTOSOMAL RECESSIVE 4. Identifiers: Orphanet 206580, MedGen C1970211, MONDO:0012608, OMIM 611067.

Submission:

Labcorp Genetics (formerly Invitae), Labcorp
Classification: Uncertain significance for Neuronopathy, distal hereditary motor, autosomal recessive 4; Charcot-Marie-Tooth disease recessive intermediate C. Last evaluated: 2024-03-13. Review status: criteria provided, single submitter. Criteria: Invitae Variant Classification Sherloc (09022015). Collection method: clinical testing. Allele origin: germline.
Comment: This sequence change replaces arginine, which is basic and polar, with histidine, which is basic and polar, at codon 30 of the PLEKHG5 protein (p.Arg30His). This variant is present in population databases (rs199745947, gnomAD 0.02%). This variant has not been reported in the literature in individuals affected with PLEKHG5-related conditions. ClinVar contains an entry for this variant (Variation ID: 569021). An algorithm developed to predict the effect of missense changes on protein structure and function (PolyPhen-2) suggests that this variant is likely to be disruptive. In summary, the available evidence is currently insufficient to determine the role of this variant in disease. Therefore, it has been classified as a Variant of Uncertain Significance.

NM_020631.6(PLEKHG5):c.89G>A (p.Arg30His)

Gene: PLEKHG5 (pleckstrin homology and RhoGEF domain containing G5; minus strand). Cytogenetic location: 1p36.31.
Variant type: single nucleotide variant.
Coding change: c.89G>A on transcript NM_020631.6 (MANE Select); coding-DNA position 89, G replaced by A.
Protein change: p.Arg30His; replaces arginine 30 with histidine.
Molecular consequence: missense variant.
Genome position (GRCh38, 1-based): chr1:6,475,991, C>T on the plus strand (G>A on the coding strand, the complement: PLEKHG5 is on the minus strand). VCF-style: chr1-6475991-C-T. GRCh37 (hg19) VCF-style: chr1-6536051-C-T.
Other names: c.200G>A, p.Arg67His (NM_001042663.3, NM_001265592.2); c.89G>A, p.Arg30His (NM_001042664.2, NM_001042665.2, NM_001265594.3 and 1 more transcripts); c.296G>A, p.Arg99His (NM_001265593.2); short protein forms R30H, R99H, R67H.
Identifiers: ClinVar variation 569021 (VCV000569021.8), dbSNP rs199745947, ClinGen allele CA561994.